The following is an entry in ClinVar:

NM_022454.4(SOX17):c.1223A>G (p.Tyr408Cys)

Gene: SOX17 (SRY-box transcription factor 17; plus strand). Cytogenetic location: 8q11.23.
Variant type: single nucleotide variant.
Coding change: c.1223A>G on transcript NM_022454.4 (MANE Select); coding-DNA position 1223, A replaced by G.
Protein change: p.Tyr408Cys; replaces tyrosine 408 with cysteine.
Molecular consequence: missense variant.
Genome position (GRCh38, 1-based): chr8:54,459,973, A>G. VCF-style: chr8-54459973-A-G. GRCh37 (hg19) VCF-style: chr8-55372533-A-G.
Other names: c.1223A>G (NM_022454.3); short protein forms Y408C.
Identifiers: ClinVar variation 1474162 (VCV001474162.9), dbSNP rs1804716284, ClinGen allele CA371026080.

ClinVar aggregate classification (germline): Uncertain significance. Review status: criteria provided, multiple submitters, no conflicts (2 of 4 stars). 2 submissions from 2 submitters: Uncertain significance (2). Last evaluated 2025-08-05.

Conditions:
Inborn genetic diseases. Identifiers: MedGen C0950123, MeSH D030342.

Allele frequency attached by ClinVar (database versions not stated): TOPMed below 0.00001; gnomAD exomes 0.00001.

Submissions (2):

Ambry Genetics
Classification: Uncertain significance for Inborn genetic diseases. Last evaluated: 2025-08-05. Review status: criteria provided, single submitter. Criteria: Ambry Variant Classification Scheme 2023. Collection method: clinical testing. Allele origin: germline.

Labcorp Genetics (formerly Invitae), Labcorp
Classification: Uncertain significance. Last evaluated: 2021-07-28. Review status: criteria provided, single submitter. Criteria: Invitae Variant Classification Sherloc (09022015). Collection method: clinical testing. Allele origin: germline.
Comment: This variant is not present in population databases (ExAC no frequency). In summary, the available evidence is currently insufficient to determine the role of this variant in disease. Therefore, it has been classified as a Variant of Uncertain Significance. Algorithms developed to predict the effect of missense changes on protein structure and function (SIFT, PolyPhen-2, Align-GVGD) all suggest that this variant is likely to be disruptive, but these predictions have not been confirmed by published functional studies and their clinical significance is uncertain. This variant has not been reported in the literature in individuals with SOX17-related conditions. This sequence change replaces tyrosine with cysteine at codon 408 of the SOX17 protein (p.Tyr408Cys). The tyrosine residue is highly conserved and there is a large physicochemical difference between tyrosine and cysteine.